The following is an entry in ClinVar:

NM_181882.3(PRX):c.586C>T (p.Arg196Ter)

Gene: PRX (periaxin; minus strand). Cytogenetic location: 19q13.2.
Variant type: single nucleotide variant.
Coding change: c.586C>T on transcript NM_181882.3 (MANE Select); coding-DNA position 586, C replaced by T.
Protein change: p.Arg196Ter; replaces arginine 196 with a stop codon.
Molecular consequence: nonsense. On other transcripts: 3 prime UTR variant (1).
Genome position (GRCh38, 1-based): chr19:40,397,766, G>A on the plus strand (C>T on the coding strand, the complement: PRX is on the minus strand). VCF-style: chr19-40397766-G-A. GRCh37 (hg19) VCF-style: chr19-40903673-G-A.
Other names: c.*791C>T (NM_020956.2); short protein forms R196*.
Identifiers: ClinVar variation 4791 (VCV000004791.17), dbSNP rs104894706, ClinGen allele CA117082.

ClinVar aggregate classification (germline): Pathogenic/Likely pathogenic. Review status: criteria provided, multiple submitters, no conflicts (2 of 4 stars). 5 submissions from 5 submitters: Pathogenic (2); Likely pathogenic (1). 2 of the submissions do not count toward it. Last evaluated 2025-10-08.

Conditions:
Charcot-Marie-Tooth disease type 4. Also called: Charcot-Marie-Tooth, Type 4; Charcot-Marie-Tooth disease, type IV. Identifiers: Orphanet 64749, MedGen C4082197, MONDO:0018995.
Charcot-Marie-Tooth disease. Also called: Charcot-Marie-Tooth Hereditary Neuropathy; Charcot-Marie-Tooth Neuropathy. Identifiers: Orphanet 166, MedGen C0007959, MONDO:0015626.
Charcot-Marie-Tooth disease type 4F. Also called: Charcot-Marie-Tooth disease, demyelinating, type 4F. Identifiers: Orphanet 99952, MedGen C3540453, MONDO:0013959, OMIM 614895.

gnomAD v4.1: 3 of 1,566,998 alleles (0.00019%); highest among the groups gnomAD compares: African/African-American, 0.0013%; no homozygotes.

Submissions (5):

Variantyx, Inc.
Classification: Likely pathogenic for Charcot-Marie-Tooth disease type 4F. Last evaluated: 2025-10-08. Review status: criteria provided, single submitter. Criteria: Variantyx Assertion Criteria 2022. Collection method: clinical testing. Allele origin: germline. Inheritance: Autosomal recessive inheritance. Affected: no.
Comment: This is a nonsense variant in the PRX gene (OMIM: 605725). Pathogenic variants in this gene have been associated with autosomal recessive Charcot-Marie-Tooth disease type 4F (CMT4F). This variant introduces a premature termination codon in exon 7 out of 7. It is not expected to result in nonsense-mediated mRNA decay and a truncated protein may be produced (PM4). This variant has been identified in the homozygous state in at least one individual in the published literature (PMID 11157804) (PM3), and functional studies have shown that this variant alters PRX protein function (PMID: 11157804) (PS3_Moderate). This variant has a 0.0013% maximum allele frequency in non-founder control populations (PM2). Based on the current evidence, this variant is classified as likely pathogenic for autosomal recessive Charcot-Marie-Tooth disease type 4F (CMT4F).

Labcorp Genetics (formerly Invitae), Labcorp
Classification: Pathogenic for Charcot-Marie-Tooth disease type 4. Last evaluated: 2020-09-01. Review status: criteria provided, single submitter. Criteria: Invitae Variant Classification Sherloc (09022015). Collection method: clinical testing. Allele origin: germline.
Comment: For these reasons, this variant has been classified as Pathogenic. This variant has been observed to be homozygous or in combination with another PRX variant in individuals and a large family affected with Charcot-Marie-Tooth disease (PMID: 24011642, 11157804). ClinVar contains an entry for this variant (Variation ID: 4791). The frequency data for this variant in the population databases is considered unreliable, as metrics indicate insufficient coverage at this position in the ExAC database. This sequence change results in a premature translational stop signal in the PRX gene (p.Arg196*). While this is not anticipated to result in nonsense mediated decay, it is expected to disrupt the last 1,266 amino acids of the PRX protein.

Revvity Omics, Revvity
Classification: Pathogenic. Last evaluated: 2020-03-20. Review status: criteria provided, single submitter. Criteria: ACMG Guidelines, 2015. Collection method: clinical testing. Allele origin: germline.

OMIM
Classification: Pathogenic for CHARCOT-MARIE-TOOTH DISEASE, DEMYELINATING, TYPE 4F. Last evaluated: 2001-02-15. Review status: no assertion criteria provided. Collection method: literature only. Allele origin: germline. Not counted in ClinVar's aggregate classification.

Inherited Neuropathy Consortium
Classification: Uncertain significance for Charcot-Marie-Tooth disease. Review status: no assertion criteria provided. Collection method: literature only. Allele origin: germline. Affected: yes. Not counted in ClinVar's aggregate classification.

Literature cited by the submitters: PubMed 11157804 (cited by 4 submitters); PubMed 24011642 (cited by Labcorp Genetics (formerly Invitae), Labcorp); PubMed 10848494 (cited by OMIM).